The following is an entry in ClinVar:

ClinVar aggregate classification (germline): Uncertain significance (1 of 4 stars; one submission).

Conditions:
Catecholaminergic polymorphic ventricular tachycardia 1. Also called: VENTRICULAR TACHYCARDIA, STRESS-INDUCED POLYMORPHIC 1; RYR2-Related Catecholaminergic Polymorphic Ventricular Tachycardia; VENTRICULAR TACHYCARDIA, CATECHOLAMINERGIC POLYMORPHIC, 1, WITH OR WITHOUT ATRIAL DYSFUNCTION AND/OR DILATED CARDIOMYOPATHY. Identifiers: Orphanet 3286, MedGen C1631597, MONDO:0011484, OMIM 604772.

Submission:

Labcorp Genetics (formerly Invitae), Labcorp
Classification: Uncertain significance for Catecholaminergic polymorphic ventricular tachycardia 1. Last evaluated: 2022-02-18. Review status: criteria provided, single submitter. Criteria: Invitae Variant Classification Sherloc (09022015). Collection method: clinical testing. Allele origin: germline.
Comment: In summary, the available evidence is currently insufficient to determine the role of this variant in disease. Therefore, it has been classified as a Variant of Uncertain Significance. Advanced modeling of protein sequence and biophysical properties (such as structural, functional, and spatial information, amino acid conservation, physicochemical variation, residue mobility, and thermodynamic stability) performed at Invitae indicates that this missense variant is not expected to disrupt RYR2 protein function. This variant has not been reported in the literature in individuals affected with RYR2-related conditions. This variant is not present in population databases (gnomAD no frequency). This sequence change replaces lysine, which is basic and polar, with isoleucine, which is neutral and non-polar, at codon 4459 of the RYR2 protein (p.Lys4459Ile).

NM_001035.3(RYR2):c.13376A>T (p.Lys4459Ile)

Gene: RYR2 (ryanodine receptor 2; plus strand). Cytogenetic location: 1q43.
Variant type: single nucleotide variant.
Coding change: c.13376A>T on transcript NM_001035.3 (MANE Select); coding-DNA position 13376, A replaced by T.
Protein change: p.Lys4459Ile; replaces lysine 4459 with isoleucine.
Molecular consequence: missense variant.
Genome position (GRCh38, 1-based): chr1:237,788,035, A>T. VCF-style: chr1-237788035-A-T. GRCh37 (hg19) VCF-style: chr1-237951335-A-T.
Other names: short protein forms K4459I.
Identifiers: ClinVar variation 2098794 (VCV002098794.4), dbSNP rs1657870142, ClinGen allele CA345416459.